The following is an entry in ClinVar:

ClinVar aggregate classification (germline): Uncertain significance (1 of 4 stars; one submission).

Conditions:
Dyskeratosis congenita. Identifiers: Orphanet 1775, MedGen C0265965, MONDO:0015780.

Submission:

Ambry Genetics
Classification: Uncertain significance for Dyskeratosis congenita. Last evaluated: 2023-10-26. Review status: criteria provided, single submitter. Criteria: Ambry Variant Classification Scheme 2023. Collection method: clinical testing. Allele origin: germline.
Comment: The p.I1036V variant (also known as c.3106A>G), located in coding exon 14 of the TERT gene, results from an A to G substitution at nucleotide position 3106. The isoleucine at codon 1036 is replaced by valine, an amino acid with highly similar properties. This amino acid position is conserved. In addition, the in silico prediction for this alteration is inconclusive. Since supporting evidence is limited at this time, the clinical significance of this alteration remains unclear.

NM_198253.3(TERT):c.3106A>G (p.Ile1036Val)

Gene: TERT (telomerase reverse transcriptase; minus strand). Cytogenetic location: 5p15.33.
Variant type: single nucleotide variant.
Coding change: c.3106A>G on transcript NM_198253.3 (MANE Select); coding-DNA position 3106, A replaced by G.
Protein change: p.Ile1036Val; replaces isoleucine 1036 with valine.
Molecular consequence: missense variant. On other transcripts: non-coding transcript variant (2).
Genome position (GRCh38, 1-based): chr5:1,255,338, T>C on the plus strand (A>G on the coding strand, the complement: TERT is on the minus strand). VCF-style: chr5-1255338-T-C. GRCh37 (hg19) VCF-style: chr5-1255453-T-C.
Other names: c.2917A>G, p.Ile973Val (NM_001193376.3); c.3106A>G, p.Ile1036Val (NM_003219.1); short protein forms I1036V, I973V.
Identifiers: ClinVar variation 3238594 (VCV003238594.1), dbSNP rs2478083276.